The following is an entry in ClinVar:

NM_024496.4(IRF2BPL):c.2122del (p.Ala708fs)

Gene: IRF2BPL (interferon regulatory factor 2 binding protein like; minus strand). Cytogenetic location: 14q24.3.
Variant type: Deletion.
Coding change: c.2122del on transcript NM_024496.4 (MANE Select); coding-DNA position 2122, one base deleted (G; older notation c.2122delG).
Protein change: p.Ala708fs; shifts the reading frame from alanine 708.
Molecular consequence: frameshift variant.
Genome position (GRCh38, 1-based): chr14:77,025,671, C deleted on the plus strand (G on the coding strand, the reverse complement: IRF2BPL is on the minus strand); the first of 2 consecutive C bases (chr14:77,025,671-77,025,672); deleting either gives the same sequence. VCF-style (leftmost placement, unchanged base first): chr14-77025670-GC-G. GRCh37 (hg19) VCF-style: chr14-77492013-GC-G.
Other names: c.2122delG (NM_024496.3, NM_024496.4); short protein forms A708fs.
Identifiers: ClinVar variation 584452 (VCV000584452.6), dbSNP rs1566785444, ClinGen allele CA891844305.

ClinVar aggregate classification (germline): Pathogenic/Likely pathogenic. Review status: criteria provided, multiple submitters, no conflicts (2 of 4 stars). 2 submissions from 2 submitters: Pathogenic (1); Likely pathogenic (1). Last evaluated 2022-05-20.

Conditions:
IRF2BPL-related disorder. Also called: IRF2BPL-related condition. Identifiers: MedGen CN381093.

Submissions (2):

GeneDx
Classification: Pathogenic. Last evaluated: 2022-05-20. Review status: criteria provided, single submitter. Criteria: GeneDx Variant Classification Process June 2021. Collection method: clinical testing. Allele origin: germline. Affected: yes.
Comment: Frameshift variant predicted to result in protein truncation, as the last 89 amino acids are replaced with 58 different amino acids, and other loss-of-function variants have been reported downstream in the Human Gene Mutation Database (HGMD); Not observed at significant frequency in large population cohorts (gnomAD); This variant is associated with the following publications: (PMID: 31607746, 30166628)

Undiagnosed Diseases Network, NIH
Classification: Likely pathogenic for IRF2BPL-related condition. Last evaluated: 2018-04-13. Review status: criteria provided, single submitter. Criteria: ACMG Guidelines, 2015. Collection method: clinical testing. Allele origin: de novo. Inheritance: Autosomal dominant inheritance. Affected: yes. Observed: 1 variant allele, 1 heterozygote. Study: Undiagnosed Diseases Network (NIH), UDN.